The following is an entry in ClinVar:

ClinVar aggregate classification (germline): Uncertain significance (1 of 4 stars; one submission).

Conditions:
Emery-Dreifuss muscular dystrophy 4, autosomal dominant (EDMD4). Also called: EMERY-DREIFUSS MUSCULAR DYSTROPHY 4 WITH VARIABLE FEATURES. Identifiers: Orphanet 261, MedGen C2751807, MONDO:0013071, OMIM 612998.

Submission:

Neuberg Centre For Genomic Medicine, NCGM
Classification: Uncertain significance for Emery-Dreifuss muscular dystrophy 4, autosomal dominant. Last evaluated: 2024-02-01. Review status: criteria provided, single submitter. Criteria: ACMG Guidelines, 2015. Collection method: clinical testing. Allele origin: germline. Inheritance: Autosomal dominant inheritance.
Comment: The above variant has not been reported previously in affected individuals, to our knowledge. Additional functional evidence will be required to prove the pathogenicity of this variant. For these reasons, this variant has been classified as Variant of Uncertain Significance (VUS).

NM_182961.4(SYNE1):c.2311C>T (p.His771Tyr)

Gene: SYNE1 (spectrin repeat containing nuclear envelope protein 1; minus strand). Cytogenetic location: 6q25.2.
Variant type: single nucleotide variant.
Coding change: c.2311C>T on transcript NM_182961.4 (MANE Select); coding-DNA position 2311, C replaced by T.
Protein change: p.His771Tyr; replaces histidine 771 with tyrosine.
Molecular consequence: missense variant.
Genome position (GRCh38, 1-based): chr6:152,461,680, G>A on the plus strand (C>T on the coding strand, the complement: SYNE1 is on the minus strand). VCF-style: chr6-152461680-G-A. GRCh37 (hg19) VCF-style: chr6-152782815-G-A.
Other names: c.2332C>T, p.His778Tyr (NM_033071.5); short protein forms H771Y, H778Y.
Identifiers: ClinVar variation 3898030 (VCV003898030.1).